The following is an entry in ClinVar:

NM_014317.5(PDSS1):c.296G>T (p.Gly99Val)

Gene: PDSS1 (decaprenyl diphosphate synthase subunit 1; plus strand). Cytogenetic location: 10p12.1.
Variant type: single nucleotide variant.
Coding change: c.296G>T on transcript NM_014317.5 (MANE Select); coding-DNA position 296, G replaced by T.
Protein change: p.Gly99Val; replaces glycine 99 with valine.
Molecular consequence: missense variant. On other transcripts: 5 prime UTR variant (1).
Genome position (GRCh38, 1-based): chr10:26,705,354, G>T. VCF-style: chr10-26705354-G-T. GRCh37 (hg19) VCF-style: chr10-26994283-G-T.
Other names: c.296G>T, p.Gly99Val (NM_001321978.2); c.-298G>T (NM_001321979.2); short protein forms G99V.
Identifiers: ClinVar variation 1386401 (VCV001386401.6), dbSNP rs777579681, ClinGen allele CA5446905.
Genomic context (GRCh38, chr10:26,705,354, plus strand): 5'-ACACAACCCCAGACAGTAAAACACACAGTGGTGAAAAATACACCGATCCTTTCAAACTCG[G>T]TTGGAGAGACTTGAAAGGTCTGTATGAGGACATTAGAAAGGTGAGTTTTTTATTCTGCTG-3'
Protein context (NP_055132.2, residues 89-109): GEKYTDPFKL[Gly99Val]WRDLKGLYED

ClinVar aggregate classification (germline): Uncertain significance. Review status: criteria provided, multiple submitters, no conflicts (2 of 4 stars). 2 submissions from 2 submitters: Uncertain significance (2). Last evaluated 2024-02-23.

Conditions:
Deafness-encephaloneuropathy-obesity-valvulopathy syndrome. Identifiers: Orphanet 254898, MedGen C3553354, MONDO:0013837, OMIM 614651.

Allele frequency attached by ClinVar (database versions not stated): gnomAD 0.00001; TOPMed 0.00001; ExAC 0.00002; gnomAD exomes 0.00003.
gnomAD v4.1: 11 of 1,611,014 alleles (0.00068%); highest among the groups gnomAD compares: Admixed American, 0.012%; no homozygotes.

Submissions (2):

Labcorp Genetics (formerly Invitae), Labcorp
Classification: Uncertain significance. Last evaluated: 2024-02-23. Review status: criteria provided, single submitter. Criteria: Invitae Variant Classification Sherloc (09022015). Collection method: clinical testing. Allele origin: germline.
Comment: This sequence change replaces glycine, which is neutral and non-polar, with valine, which is neutral and non-polar, at codon 99 of the PDSS1 protein (p.Gly99Val). This variant is present in population databases (rs777579681, gnomAD 0.01%). This variant has not been reported in the literature in individuals affected with PDSS1-related conditions. ClinVar contains an entry for this variant (Variation ID: 1386401). Advanced modeling of protein sequence and biophysical properties (such as structural, functional, and spatial information, amino acid conservation, physicochemical variation, residue mobility, and thermodynamic stability) performed at Invitae indicates that this missense variant is not expected to disrupt PDSS1 protein function with a negative predictive value of 80%. In summary, the available evidence is currently insufficient to determine the role of this variant in disease. Therefore, it has been classified as a Variant of Uncertain Significance.

Fulgent Genetics
Classification: Uncertain significance for Deafness-encephaloneuropathy-obesity-valvulopathy syndrome. Last evaluated: 2022-05-02. Review status: criteria provided, single submitter. Criteria: ACMG Guidelines, 2015. Collection method: clinical testing. Allele origin: unknown.